The following is an entry in ClinVar:

NM_000138.5(FBN1):c.4747+68C>T

Gene: FBN1 (fibrillin 1; minus strand). Cytogenetic location: 15q21.1.
Variant type: single nucleotide variant.
Coding change: c.4747+68C>T on transcript NM_000138.5 (MANE Select); 68 bases into the intron after coding-DNA position 4747, C replaced by T.
Molecular consequence: intron variant.
Genome position (GRCh38, 1-based): chr15:48,467,870, G>A on the plus strand (C>T on the coding strand, the complement: FBN1 is on the minus strand). VCF-style: chr15-48467870-G-A. GRCh37 (hg19) VCF-style: chr15-48760067-G-A.
Identifiers: ClinVar variation 673381 (VCV000673381.2), dbSNP rs2279233, ClinGen allele CA15848784.

ClinVar aggregate classification (germline): Likely benign. Review status: criteria provided, multiple submitters, no conflicts (2 of 4 stars). 2 submissions from 2 submitters: Likely benign (2). Last evaluated 2018-06-14.

Allele frequency attached by ClinVar (database versions not stated): gnomAD 0.02118 and 0.02235; TOPMed 0.02507; 1000 Genomes Project 30x 0.04653; 1000 Genomes Project 0.04752.
gnomAD v4.1: 24,378 of 1,403,986 alleles (1.7%); highest among the groups gnomAD compares: East Asian, 11%; 613 homozygotes.

Submissions (2):

GeneDx
Classification: Likely benign. Last evaluated: 2018-06-14. Review status: criteria provided, single submitter. Criteria: GeneDx Variant Classification (06012015). Collection method: clinical testing. Allele origin: germline. Affected: yes.
Comment: This variant is considered likely benign or benign based on one or more of the following criteria: it is a conservative change, it occurs at a poorly conserved position in the protein, it is predicted to be benign by multiple in silico algorithms, and/or has population frequency not consistent with disease.

Breakthrough Genomics
Classification: Likely benign. Review status: criteria provided, single submitter. Criteria: ACMG Guidelines, 2015. Collection method: not provided. Allele origin: germline. Inheritance: Autosomal dominant inheritance. Affected: yes.